The following is an entry in ClinVar:

ClinVar aggregate classification (germline): Uncertain significance (1 of 4 stars; one submission).

Allele frequency attached by ClinVar (database versions not stated): gnomAD exomes 0.00001; TOPMed 0.00001; ExAC 0.00001; gnomAD 0.00001.
gnomAD v4.1: 22 of 1,614,054 alleles (0.0014%); highest among the groups gnomAD compares: Non-Finnish European, 0.0014%; no homozygotes.

Submission:

Labcorp Genetics (formerly Invitae), Labcorp
Classification: Uncertain significance. Last evaluated: 2025-07-16. Review status: criteria provided, single submitter. Criteria: Invitae Variant Classification Sherloc (09022015). Collection method: clinical testing. Allele origin: germline.
Comment: This sequence change replaces lysine, which is basic and polar, with isoleucine, which is neutral and non-polar, at codon 1295 of the MYH3 protein (p.Lys1295Ile). This variant is present in population databases (rs774676550, gnomAD 0.0009%). This variant has not been reported in the literature in individuals affected with MYH3-related conditions. ClinVar contains an entry for this variant (Variation ID: 2732787). Invitae Evidence Modeling of protein sequence and biophysical properties (such as structural, functional, and spatial information, amino acid conservation, physicochemical variation, residue mobility, and thermodynamic stability) indicates that this missense variant is not expected to disrupt MYH3 protein function with a negative predictive value of 95%. In summary, the available evidence is currently insufficient to determine the role of this variant in disease. Therefore, it has been classified as a Variant of Uncertain Significance.

NM_002470.4(MYH3):c.3884A>T (p.Lys1295Ile)

Gene: MYH3 (myosin heavy chain 3; minus strand). Cytogenetic location: 17p13.1.
Variant type: single nucleotide variant.
Coding change: c.3884A>T on transcript NM_002470.4 (MANE Select); coding-DNA position 3884, A replaced by T.
Protein change: p.Lys1295Ile; replaces lysine 1295 with isoleucine.
Molecular consequence: missense variant.
Genome position (GRCh38, 1-based): chr17:10,635,826, T>A on the plus strand (A>T on the coding strand, the complement: MYH3 is on the minus strand). VCF-style: chr17-10635826-T-A. GRCh37 (hg19) VCF-style: chr17-10539143-T-A.
Other names: short protein forms K1295I.
Identifiers: ClinVar variation 2732787 (VCV002732787.3), dbSNP rs774676550, ClinGen allele CA8392366.